The following is an entry in ClinVar:

ClinVar aggregate classification (germline): Uncertain significance. Review status: criteria provided, multiple submitters, no conflicts (2 of 4 stars). 2 submissions from 2 submitters: Uncertain significance (2). Last evaluated 2026-08-06.

Conditions:
Congenital lactic acidosis, Saguenay-Lac-Saint-Jean type (MC4DN5). Also called: CYTOCHROME c OXIDASE DEFICIENCY, FRENCH CANADIAN TYPE; COX DEFICIENCY, FRENCH CANADIAN TYPE; MITOCHONDRIAL COMPLEX IV DEFICIENCY, NUCLEAR TYPE 5. Identifiers: Orphanet 70472, MedGen C1857355, MONDO:0009069, OMIM 220111.

Allele frequency attached by ClinVar (database versions not stated): gnomAD exomes 0.00002; ExAC 0.00003; TOPMed 0.00012; gnomAD 0.00019; 1000 Genomes Project 30x 0.00047; 1000 Genomes Project 0.00060.
gnomAD v4.1: 52 of 1,612,590 alleles (0.0032%); highest among the groups gnomAD compares: African/African-American, 0.057%; no homozygotes.

Submissions (2):

OLLIN Analises Genomicas, OLLIN
Classification: Uncertain significance for Congenital lactic acidosis, Saguenay-Lac-Saint-Jean type. Last evaluated: 2026-08-06. Review status: criteria provided, single submitter. Criteria: ACMG Guidelines 2015 PMID 25741868. Collection method: clinical testing. Allele origin: germline.
Comment: This variant, has been reported in ClinVar (accession VCV002155458.1) and in gnomAD with an allele frequency of 0.0032%. However, to our knowledge, it has not been reported in the scientific literature. According to the currently available evidence, this variant has been classified as uncertain significance (PM2_P, PP3).

Labcorp Genetics (formerly Invitae), Labcorp
Classification: Uncertain significance. Last evaluated: 2022-07-27. Review status: criteria provided, single submitter. Criteria: Invitae Variant Classification Sherloc (09022015). Collection method: clinical testing. Allele origin: germline.
Comment: This sequence change falls in intron 2 of the LRPPRC gene. It does not directly change the encoded amino acid sequence of the LRPPRC protein. This variant is present in population databases (rs189161226, gnomAD 0.03%). This variant has not been reported in the literature in individuals affected with LRPPRC-related conditions. Algorithms developed to predict the effect of sequence changes on RNA splicing suggest that this variant may create or strengthen a splice site. In summary, the available evidence is currently insufficient to determine the role of this variant in disease. Therefore, it has been classified as a Variant of Uncertain Significance.

NM_133259.4(LRPPRC):c.347-14C>G

Gene: LRPPRC (leucine rich pentatricopeptide repeat containing; minus strand). Cytogenetic location: 2p21.
Variant type: single nucleotide variant.
Coding change: c.347-14C>G on transcript NM_133259.4 (MANE Select); 14 bases into the intron before coding-DNA position 347, C replaced by G.
Molecular consequence: intron variant.
Genome position (GRCh38, 1-based): chr2:43,979,962, G>C on the plus strand (C>G on the coding strand, the complement: LRPPRC is on the minus strand). VCF-style: chr2-43979962-G-C. GRCh37 (hg19) VCF-style: chr2-44207101-G-C.
Identifiers: ClinVar variation 2155458 (VCV002155458.2), dbSNP rs189161226, ClinGen allele CA1639385.